The following is an entry in ClinVar:

NM_000238.4(KCNH2):c.3311C>T (p.Thr1104Ile)

Gene: KCNH2 (potassium voltage-gated channel subfamily H member 2; minus strand). Cytogenetic location: 7q36.1.
Variant type: single nucleotide variant.
Coding change: c.3311C>T on transcript NM_000238.4 (MANE Select); coding-DNA position 3311, C replaced by T.
Protein change: p.Thr1104Ile; replaces threonine 1104 with isoleucine.
Molecular consequence: missense variant.
Genome position (GRCh38, 1-based): chr7:150,946,896, G>A on the plus strand (C>T on the coding strand, the complement: KCNH2 is on the minus strand). VCF-style: chr7-150946896-G-A. GRCh37 (hg19) VCF-style: chr7-150643984-G-A.
Other names: c.3023C>T, p.Thr1008Ile (NM_001406753.1); c.2291C>T, p.Thr764Ile (NM_172057.3); short protein forms T1104I, T1008I, T764I.
Identifiers: ClinVar variation 1730094 (VCV001730094.2), dbSNP rs780113151, ClinGen allele CA038325.

ClinVar aggregate classification (germline): Uncertain significance (1 of 4 stars; one submission).

Conditions:
Cardiovascular phenotype. Identifiers: MedGen CN230736.

Allele frequency attached by ClinVar (database versions not stated): gnomAD exomes below 0.00001; ExAC 0.00001.
gnomAD v4.1: 1 of 1,598,932 alleles (0.000063%); highest among the groups gnomAD compares: Non-Finnish European, 0.000085%; no homozygotes.

Submission:

Ambry Genetics
Classification: Uncertain significance for Cardiovascular phenotype. Last evaluated: 2019-08-02. Review status: criteria provided, single submitter. Criteria: Ambry Variant Classification Scheme 2023. Collection method: clinical testing. Allele origin: germline.
Comment: The p.T1104I variant (also known as c.3311C>T), located in coding exon 14 of the KCNH2 gene, results from a C to T substitution at nucleotide position 3311. The threonine at codon 1104 is replaced by isoleucine, an amino acid with similar properties, and is located in the C-terminal cytoplasmic region. This amino acid position is well conserved in available vertebrate species. In addition, this alteration is predicted to be deleterious by in silico analysis. Since supporting evidence is limited at this time, the clinical significance of this alteration remains unclear.